The following is an entry in ClinVar:

NM_015346.4(ZFYVE26):c.5654-1G>T

Gene: ZFYVE26 (zinc finger FYVE-type containing 26; minus strand). Cytogenetic location: 14q24.1.
Variant type: single nucleotide variant.
Coding change: c.5654-1G>T on transcript NM_015346.4 (MANE Select); the canonical splice acceptor site of the intron before coding-DNA position 5654, G replaced by T.
Molecular consequence: splice acceptor variant.
Genome position (GRCh38, 1-based): chr14:67,767,841, C>A on the plus strand (G>T on the coding strand, the complement: ZFYVE26 is on the minus strand). VCF-style: chr14-67767841-C-A. GRCh37 (hg19) VCF-style: chr14-68234558-C-A.
Identifiers: ClinVar variation 3641550 (VCV003641550.2).

ClinVar aggregate classification (germline): Likely pathogenic (1 of 4 stars; one submission).

Conditions:
Spastic paraplegia. Identifiers: MedGen C0037772, HP:0001258.

Submission:

Labcorp Genetics (formerly Invitae), Labcorp
Classification: Likely pathogenic for Spastic paraplegia. Last evaluated: 2024-02-17. Review status: criteria provided, single submitter. Criteria: Invitae Variant Classification Sherloc (09022015). Collection method: clinical testing. Allele origin: germline.
Comment: This sequence change affects an acceptor splice site in intron 30 of the ZFYVE26 gene. It is expected to disrupt RNA splicing. Variants that disrupt the donor or acceptor splice site typically lead to a loss of protein function (PMID: 16199547), and loss-of-function variants in ZFYVE26 are known to be pathogenic (PMID: 18394578, 19805727). This variant is not present in population databases (gnomAD no frequency). This variant has not been reported in the literature in individuals affected with ZFYVE26-related conditions. Algorithms developed to predict the effect of sequence changes on RNA splicing suggest that this variant may disrupt the consensus splice site. In summary, the currently available evidence indicates that the variant is pathogenic, but additional data are needed to prove that conclusively. Therefore, this variant has been classified as Likely Pathogenic.

Literature cited by the submitters: PubMed 16199547; PubMed 18394578; PubMed 19805727.